The following is an entry in ClinVar:

ClinVar aggregate classification (germline): Uncertain significance (1 of 4 stars; one submission).

Conditions:
Glycogen storage disease due to muscle and heart glycogen synthase deficiency. Also called: GSD 0b; MUSCLE GLYCOGEN SYNTHASE DEFICIENCY. Identifiers: Orphanet 137625, MedGen C1969054, MONDO:0012693, OMIM 611556.

Allele frequency attached by ClinVar (database versions not stated): gnomAD exomes below 0.00001; ExAC 0.00001; ESP Exome Variant Server 0.00008.
gnomAD v4.1: 2 of 1,613,798 alleles (0.00012%); highest among the groups gnomAD compares: Non-Finnish European, 0.00017%; no homozygotes.

Submission:

Labcorp Genetics (formerly Invitae), Labcorp
Classification: Uncertain significance for Glycogen storage disease due to muscle and heart glycogen synthase deficiency. Last evaluated: 2020-02-15. Review status: criteria provided, single submitter. Criteria: Invitae Variant Classification Sherloc (09022015). Collection method: clinical testing. Allele origin: germline.
Comment: In summary, the available evidence is currently insufficient to determine the role of this variant in disease. Therefore, it has been classified as a Variant of Uncertain Significance. Algorithms developed to predict the effect of missense changes on protein structure and function (SIFT, PolyPhen-2, Align-GVGD) all suggest that this variant is likely to be tolerated, but these predictions have not been confirmed by published functional studies and their clinical significance is uncertain. This variant has not been reported in the literature in individuals with GYS1-related conditions. This variant is present in population databases (rs148365002, ExAC 0.002%). This sequence change replaces alanine with valine at codon 217 of the GYS1 protein (p.Ala217Val). The alanine residue is moderately conserved and there is a small physicochemical difference between alanine and valine.

NM_002103.5(GYS1):c.650C>T (p.Ala217Val)

Gene: GYS1 (glycogen synthase 1; minus strand). Cytogenetic location: 19q13.33.
Variant type: single nucleotide variant.
Coding change: c.650C>T on transcript NM_002103.5 (MANE Select); coding-DNA position 650, C replaced by T.
Protein change: p.Ala217Val; replaces alanine 217 with valine.
Molecular consequence: missense variant. On other transcripts: non-coding transcript variant (1).
Genome position (GRCh38, 1-based): chr19:48,985,878, G>A on the plus strand (C>T on the coding strand, the complement: GYS1 is on the minus strand). VCF-style: chr19-48985878-G-A. GRCh37 (hg19) VCF-style: chr19-49489135-G-A.
Other names: c.458C>T, p.Ala153Val (NM_001161587.2); short protein forms A217V, A153V.
Identifiers: ClinVar variation 949974 (VCV000949974.9), dbSNP rs148365002, ClinGen allele CA9563283.